The following is an entry in ClinVar:

ClinVar aggregate classification (germline): Uncertain significance (1 of 4 stars; one submission).

Conditions:
Hypertrophic cardiomyopathy. Also called: HYPERTROPHIC MYOCARDIOPATHY. Identifiers: Orphanet 217569, MedGen C0007194, MeSH D002312, MONDO:0005045, HP:0001639.

gnomAD v4.1: 2 of 1,612,038 alleles (0.00012%); highest among the groups gnomAD compares: Non-Finnish European, 0.00017%; no homozygotes.

Submission:

Labcorp Genetics (formerly Invitae), Labcorp
Classification: Uncertain significance for Hypertrophic cardiomyopathy. Last evaluated: 2025-09-13. Review status: criteria provided, single submitter. Criteria: Invitae Variant Classification Sherloc (09022015). Collection method: clinical testing. Allele origin: germline.
Comment: This sequence change replaces lysine, which is basic and polar, with glutamic acid, which is acidic and polar, at codon 200 of the MYOM1 protein (p.Lys200Glu). This variant is not present in population databases (gnomAD no frequency). This variant has not been reported in the literature in individuals affected with MYOM1-related conditions. An algorithm developed to predict the effect of missense changes on protein structure and function (PolyPhen-2) suggests that this variant is likely to be tolerated. In summary, the available evidence is currently insufficient to determine the role of this variant in disease. Therefore, it has been classified as a Variant of Uncertain Significance.

NM_003803.4(MYOM1):c.598A>G (p.Lys200Glu)

Gene: MYOM1 (myomesin 1; minus strand). Cytogenetic location: 18p11.31.
Variant type: single nucleotide variant.
Coding change: c.598A>G on transcript NM_003803.4 (MANE Select); coding-DNA position 598, A replaced by G.
Protein change: p.Lys200Glu; replaces lysine 200 with glutamic acid.
Molecular consequence: missense variant.
Genome position (GRCh38, 1-based): chr18:3,188,921, T>C on the plus strand (A>G on the coding strand, the complement: MYOM1 is on the minus strand). VCF-style: chr18-3188921-T-C. GRCh37 (hg19) VCF-style: chr18-3188919-T-C.
Other names: c.598A>G, p.Lys200Glu (NM_019856.2); short protein forms K200E.
Identifiers: ClinVar variation 4707195 (VCV004707195.1).